The following is an entry in ClinVar:

ClinVar aggregate classification (germline): Uncertain significance (1 of 4 stars; one submission).

Allele frequency attached by ClinVar (database versions not stated): ExAC 0.00001; gnomAD 0.00001; gnomAD exomes 0.00001; TOPMed 0.00001.
gnomAD v4.1: 24 of 1,614,040 alleles (0.0015%); highest among the groups gnomAD compares: Non-Finnish European, 0.0019%; no homozygotes.

Submission:

Labcorp Genetics (formerly Invitae), Labcorp
Classification: Uncertain significance. Last evaluated: 2025-03-17. Review status: criteria provided, single submitter. Criteria: Invitae Variant Classification Sherloc (09022015). Collection method: clinical testing. Allele origin: germline.
Comment: This sequence change replaces leucine, which is neutral and non-polar, with tryptophan, which is neutral and slightly polar, at codon 2551 of the KMT2A protein (p.Leu2551Trp). This variant is present in population databases (rs782539624, gnomAD 0.002%). This variant has not been reported in the literature in individuals affected with KMT2A-related conditions. ClinVar contains an entry for this variant (Variation ID: 2903788). Invitae Evidence Modeling of protein sequence and biophysical properties (such as structural, functional, and spatial information, amino acid conservation, physicochemical variation, residue mobility, and thermodynamic stability) indicates that this missense variant is not expected to disrupt KMT2A protein function with a negative predictive value of 95%. In summary, the available evidence is currently insufficient to determine the role of this variant in disease. Therefore, it has been classified as a Variant of Uncertain Significance.

NM_001197104.2(KMT2A):c.7652T>G (p.Leu2551Trp)

Gene: KMT2A (lysine methyltransferase 2A; plus strand). Cytogenetic location: 11q23.3.
Variant type: single nucleotide variant.
Coding change: c.7652T>G on transcript NM_001197104.2 (MANE Select); coding-DNA position 7652, T replaced by G.
Protein change: p.Leu2551Trp; replaces leucine 2551 with tryptophan.
Molecular consequence: missense variant.
Genome position (GRCh38, 1-based): chr11:118,503,544, T>G. VCF-style: chr11-118503544-T-G. GRCh37 (hg19) VCF-style: chr11-118374259-T-G.
Other names: c.7742T>G, p.Leu2581Trp (NM_001412597.1); c.7643T>G, p.Leu2548Trp (NM_005933.4); short protein forms L2581W, L2548W, L2551W.
Identifiers: ClinVar variation 2903788 (VCV002903788.3), dbSNP rs782539624, ClinGen allele CA6304417.